The following is an entry in ClinVar:

ClinVar aggregate classification (germline): Uncertain significance. Review status: reviewed by expert panel (3 of 4 stars). 6 submissions from 6 submitters: Uncertain significance (1). 5 of the submissions do not count toward it. Last evaluated 2024-09-17.

Conditions:
Cardiovascular phenotype. Identifiers: MedGen CN230736.
Noonan syndrome 8 (NS8). Identifiers: Orphanet 648, MedGen C3809233, MONDO:0014143, OMIM 615355.
RASopathy. Also called: Noonan spectrum disorder; rasopathies. Identifiers: Orphanet 536391, MedGen C5555857, MONDO:0021060.

Allele frequency attached by ClinVar (database versions not stated): gnomAD exomes below 0.00001; TOPMed 0.00001; gnomAD 0.00002.
gnomAD v4.1: 9 of 1,613,890 alleles (0.00056%); highest among the groups gnomAD compares: Non-Finnish European, 0.00076%; no homozygotes.

Submissions (6):

ClinGen RASopathy Variant Curation Expert Panel
Classification: Uncertain significance for RASopathy. Last evaluated: 2024-09-17. Review status: reviewed by expert panel. Criteria: ClinGen RASopathy ACMG Specifications RIT1 V2.1.0. Collection method: curation. Allele origin: germline. Inheritance: Autosomal dominant inheritance.
Comment: The c.367C>T (p.Arg123Cys) variant in RIT1 was absent in gnomAD v2.1.1 and present in 0.00001% (3/38022 CI 95%) of non-Finnish European chromosomes in gnomAD v3.1.1 (No population codes met). The computational predictor REVEL gives a score of 0.422, which is neither above nor below the thresholds predicting a damaging or benign impact on RIT1 function (no codes met). In summary, this variant meets the criteria to be classified as uncertain significance for autosomal dominant RASopathy based on the ACMG/AMP guidelines (Version 2.1; 09/27/24).

St. Jude Molecular Pathology, St. Jude Children's Research Hospital
Classification: Uncertain significance for Noonan syndrome 8. Last evaluated: 2025-02-05. Review status: criteria provided, single submitter. Criteria: St. Jude Assertion Criteria 2020. Collection method: clinical testing. Allele origin: germline. Not counted in ClinVar's aggregate classification.
Comment: The RIT1 c.367C>T (p.Arg123Cys) missense change is absent in gnomAD v2.1.1. The in silico tool REVEL is inconclusive about a pathogenic or benign effect of this variant on protein function, and functional studies have not been performed. This variant has not been reported in individuals with Noonan syndrome. In summary, the evidence currently available is insufficient to determine the clinical significance of this variant. It has therefore been classified as of uncertain significance.

Blueprint Genetics
Classification: Uncertain significance. Last evaluated: 2024-10-14. Review status: criteria provided, single submitter. Criteria: ACMG Guidelines, 2015. Collection method: clinical testing. Allele origin: germline. Not counted in ClinVar's aggregate classification.

Labcorp Genetics (formerly Invitae), Labcorp
Classification: Uncertain significance for Noonan syndrome 8. Last evaluated: 2024-04-03. Review status: criteria provided, single submitter. Criteria: Invitae Variant Classification Sherloc (09022015). Collection method: clinical testing. Allele origin: germline. Not counted in ClinVar's aggregate classification.
Comment: This sequence change replaces arginine, which is basic and polar, with cysteine, which is neutral and slightly polar, at codon 123 of the RIT1 protein (p.Arg123Cys). This variant is not present in population databases (gnomAD no frequency). This variant has not been reported in the literature in individuals affected with RIT1-related conditions. ClinVar contains an entry for this variant (Variation ID: 936786). Advanced modeling performed at Invitae incorporating data from internal and/or published experimental studies (Invitae) indicates that this missense variant is not expected to disrupt RIT1 function with a negative predictive value of 95%. In summary, the available evidence is currently insufficient to determine the role of this variant in disease. Therefore, it has been classified as a Variant of Uncertain Significance.

Genome-Nilou Lab
Classification: Uncertain significance for Noonan syndrome 8. Last evaluated: 2023-04-11. Review status: criteria provided, single submitter. Criteria: ACMG Guidelines, 2015. Collection method: clinical testing. Allele origin: germline. Affected: no. Not counted in ClinVar's aggregate classification.

Ambry Genetics
Classification: Uncertain significance for Cardiovascular phenotype. Last evaluated: 2021-08-10. Review status: criteria provided, single submitter. Criteria: Ambry Variant Classification Scheme 2023. Collection method: clinical testing. Allele origin: germline. Not counted in ClinVar's aggregate classification.
Comment: The p.R123C variant (also known as c.367C>T), located in coding exon 4 of the RIT1 gene, results from a C to T substitution at nucleotide position 367. The arginine at codon 123 is replaced by cysteine, an amino acid with highly dissimilar properties. This amino acid position is conserved. In addition, the in silico prediction for this alteration is inconclusive. Since supporting evidence is limited at this time, the clinical significance of this alteration remains unclear.

NM_006912.6(RIT1):c.367C>T (p.Arg123Cys)

Gene: RIT1 (Ras like without CAAX 1; minus strand). Cytogenetic location: 1q22.
Variant type: single nucleotide variant.
Coding change: c.367C>T on transcript NM_006912.6 (MANE Select); coding-DNA position 367, C replaced by T.
Protein change: p.Arg123Cys; replaces arginine 123 with cysteine.
Molecular consequence: missense variant.
Genome position (GRCh38, 1-based): chr1:155,904,373, G>A on the plus strand (C>T on the coding strand, the complement: RIT1 is on the minus strand). VCF-style: chr1-155904373-G-A. GRCh37 (hg19) VCF-style: chr1-155874164-G-A.
Other names: NM_006912.6(RIT1):c.367C>T; p.Arg123Cys; c.259C>T, p.Arg87Cys (NM_001256820.2); c.418C>T, p.Arg140Cys (NM_001256821.2); short protein forms R87C, R123C, R140C.
Identifiers: ClinVar variation 936786 (VCV000936786.17), dbSNP rs1213963509, ClinGen allele CA342802293.